The following is an entry in ClinVar:

NM_205861.3(DHDDS):c.856C>A (p.Leu286Ile)

Gene: DHDDS (dehydrodolichyl diphosphate synthase subunit; plus strand). Cytogenetic location: 1p36.11.
Variant type: single nucleotide variant.
Coding change: c.856C>A on transcript NM_205861.3 (MANE Select); coding-DNA position 856, C replaced by A.
Protein change: p.Leu286Ile; replaces leucine 286 with isoleucine.
Molecular consequence: missense variant.
Genome position (GRCh38, 1-based): chr1:26,468,985, C>A. VCF-style: chr1-26468985-C-A. GRCh37 (hg19) VCF-style: chr1-26795476-C-A.
Other names: c.754C>A, p.Leu252Ile (NM_001243564.2); c.739C>A, p.Leu247Ile (NM_001243565.2); c.577C>A, p.Leu193Ile (NM_001319959.2); c.859C>A, p.Leu287Ile (NM_024887.4); short protein forms L252I, L286I, L193I, L247I, L287I.
Identifiers: ClinVar variation 2139853 (VCV002139853.5), dbSNP rs762788261, ClinGen allele CA705475.

ClinVar aggregate classification (germline): Uncertain significance. Review status: criteria provided, multiple submitters, no conflicts (2 of 4 stars). 2 submissions from 2 submitters: Uncertain significance (2). Last evaluated 2023-10-03.

Conditions:
Retinal dystrophy. Also called: Inherited retinal dystrophy. Identifiers: Orphanet 71862, MedGen C0854723, MeSH D058499, MONDO:0019118, HP:0000556.
Retinitis pigmentosa 59 (RP59). Identifiers: Orphanet 791, MedGen C3151227, MONDO:0013468, OMIM 613861.

Allele frequency attached by ClinVar (database versions not stated): ExAC 0.00001; gnomAD 0.00001; gnomAD exomes 0.00001.
gnomAD v4.1: 5 of 1,614,040 alleles (0.00031%); highest among the groups gnomAD compares: East Asian, 0.011%; no homozygotes.

Submissions (2):

Labcorp Genetics (formerly Invitae), Labcorp
Classification: Uncertain significance for Retinitis pigmentosa 59. Last evaluated: 2023-10-03. Review status: criteria provided, single submitter. Criteria: Invitae Variant Classification Sherloc (09022015). Collection method: clinical testing. Allele origin: germline.
Comment: This sequence change replaces leucine, which is neutral and non-polar, with isoleucine, which is neutral and non-polar, at codon 287 of the DHDDS protein (p.Leu287Ile). This variant is present in population databases (rs762788261, gnomAD 0.02%). This variant has not been reported in the literature in individuals affected with DHDDS-related conditions. ClinVar contains an entry for this variant (Variation ID: 2139853). An algorithm developed to predict the effect of missense changes on protein structure and function (PolyPhen-2) suggests that this variant is likely to be tolerated. In summary, the available evidence is currently insufficient to determine the role of this variant in disease. Therefore, it has been classified as a Variant of Uncertain Significance.

Dept Of Ophthalmology, Nagoya University
Classification: Uncertain significance for Retinal dystrophy. Last evaluated: 2023-10-01. Review status: criteria provided, single submitter. Criteria: Submitter's publication. Collection method: research. Allele origin: germline. Affected: yes.